The following is an entry in ClinVar:

ClinVar aggregate classification (germline): Uncertain significance. Review status: criteria provided, multiple submitters, no conflicts (2 of 4 stars). 2 submissions from 2 submitters: Uncertain significance (2). Last evaluated 2025-08-02.

Allele frequency attached by ClinVar (database versions not stated): gnomAD exomes below 0.00001; gnomAD 0.00023; TOPMed 0.00034.
gnomAD v4.1: 34 of 1,614,090 alleles (0.0021%); highest among the groups gnomAD compares: Non-Finnish European, 0.000085%; no homozygotes.

Submissions (2):

Ambry Genetics
Classification: Uncertain significance. Last evaluated: 2025-08-02. Review status: criteria provided, single submitter. Criteria: Ambry Variant Classification Scheme 2023. Collection method: clinical testing. Allele origin: germline.
Comment: The p.Q275H variant (also known as c.825G>T), located in coding exon 4 of the GALNT12 gene, results from a G to T substitution at nucleotide position 825. The glutamine at codon 275 is replaced by histidine, an amino acid with highly similar properties. This amino acid position is highly conserved in available vertebrate species. In addition, the in silico prediction for this alteration is inconclusive. Since supporting evidence is limited at this time, the clinical significance of this alteration remains unclear.

Labcorp Genetics (formerly Invitae), Labcorp
Classification: Uncertain significance. Last evaluated: 2022-06-21. Review status: criteria provided, single submitter. Criteria: Invitae Variant Classification Sherloc (09022015). Collection method: clinical testing. Allele origin: germline.
Comment: In summary, the available evidence is currently insufficient to determine the role of this variant in disease. Therefore, it has been classified as a Variant of Uncertain Significance. Algorithms developed to predict the effect of missense changes on protein structure and function output the following: SIFT: "Deleterious"; PolyPhen-2: "Benign"; Align-GVGD: "Class C0". The histidine amino acid residue is found in multiple mammalian species, which suggests that this missense change does not adversely affect protein function. ClinVar contains an entry for this variant (Variation ID: 1043554). This variant has not been reported in the literature in individuals affected with GALNT12-related conditions. This variant is present in population databases (no rsID available, gnomAD 0.0009%). This sequence change replaces glutamine, which is neutral and polar, with histidine, which is basic and polar, at codon 275 of the GALNT12 protein (p.Gln275His).

NM_024642.5(GALNT12):c.825G>T (p.Gln275His)

Gene: GALNT12 (polypeptide N-acetylgalactosaminyltransferase 12; plus strand). Cytogenetic location: 9q22.33.
Variant type: single nucleotide variant.
Coding change: c.825G>T on transcript NM_024642.5 (MANE Select); coding-DNA position 825, G replaced by T.
Protein change: p.Gln275His; replaces glutamine 275 with histidine.
Molecular consequence: missense variant.
Genome position (GRCh38, 1-based): chr9:98,831,865, G>T. VCF-style: chr9-98831865-G-T. GRCh37 (hg19) VCF-style: chr9-101594147-G-T.
Other names: short protein forms Q275H.
Identifiers: ClinVar variation 1043554 (VCV001043554.13), dbSNP rs944134910, ClinGen allele CA196823887.